The following is an entry in ClinVar:

ClinVar aggregate classification (germline): Pathogenic/Likely pathogenic. Review status: criteria provided, multiple submitters, no conflicts (2 of 4 stars). 3 submissions from 3 submitters: Pathogenic (1); Likely pathogenic (2). Last evaluated 2025-09-02.

Conditions:
Meckel syndrome, type 1 (MKS1). Also called: MECKEL-GRUBER SYNDROME, TYPE 1. Identifiers: Orphanet 564, MedGen C3714506, MONDO:0009571, OMIM 249000.
Joubert syndrome. Also called: CEREBELLOPARENCHYMAL DISORDER IV; JOUBERT-BOLTSHAUSER SYNDROME; Familial aplasia of the vermis. Identifiers: Orphanet 475, MedGen C5979921, MONDO:0018772.
Meckel-Gruber syndrome. Also called: DYSENCEPHALIA SPLANCHNOCYSTICA; GRUBER SYNDROME; Dysencephalia splachnocystica. Identifiers: Orphanet 564, MedGen C0265215, MONDO:0018921.
Bardet-Biedl syndrome 13 (BBS13). Identifiers: Orphanet 110, MedGen C2673873, MONDO:0014441, OMIM 615990.

Submissions (3):

Labcorp Genetics (formerly Invitae), Labcorp
Classification: Pathogenic for Joubert syndrome; Meckel-Gruber syndrome. Last evaluated: 2025-09-02. Review status: criteria provided, single submitter. Criteria: Invitae Variant Classification Sherloc (09022015). Collection method: clinical testing. Allele origin: germline.
Comment: This sequence change creates a premature translational stop signal (p.Ser269Phefs*36) in the MKS1 gene. It is expected to result in an absent or disrupted protein product. Loss-of-function variants in MKS1 are known to be pathogenic (PMID: 19466712, 24886560, 26490104). This variant is present in population databases (no rsID available, gnomAD 0.007%). This variant has not been reported in the literature in individuals affected with MKS1-related conditions. ClinVar contains an entry for this variant (Variation ID: 1363964). For these reasons, this variant has been classified as Pathogenic.

Natera, Inc.
Classification: Likely pathogenic for Meckel syndrome type 1. Last evaluated: 2025-05-20. Review status: criteria provided, single submitter. Criteria: Natera Variant Classification Schema (03/2026). Collection method: clinical testing. Allele origin: germline.
Comment: The c.805dupT variant in MKS1 is a frameshift variant predicted to shift the reading frame beginning at codon 269 and leads to a stop codon 36 codons downstream. This variant is expected to result in nonsense mediated decay, truncation, or a dysfunctional protein product. This variant is rare in the general population with a frequency below the threshold expected for the associated phenotype(s). Given the available evidence, this variant is classified as Likely Pathogenic.

Baylor Genetics
Classification: Likely pathogenic for Bardet-Biedl syndrome 13. Last evaluated: 2023-07-13. Review status: criteria provided, single submitter. Criteria: ACMG Guidelines, 2015. Collection method: clinical testing. Allele origin: unknown.

Literature cited by the submitters: PubMed 19466712 (cited by Labcorp Genetics (formerly Invitae), Labcorp); PubMed 24886560 (cited by Labcorp Genetics (formerly Invitae), Labcorp); PubMed 26490104 (cited by Labcorp Genetics (formerly Invitae), Labcorp).

NM_017777.4(MKS1):c.805dup (p.Ser269fs)

Gene: MKS1 (MKS transition zone complex subunit 1; minus strand). Cytogenetic location: 17q22.
Variant type: Duplication.
Coding change: c.805dup on transcript NM_017777.4 (MANE Select); coding-DNA position 805, one base duplicated (T; older notation c.805dupT).
Protein change: p.Ser269fs; shifts the reading frame from serine 269.
Molecular consequence: frameshift variant.
Genome position (GRCh38, 1-based): chr17:58,213,035, A duplicated on the plus strand (T on the coding strand, the reverse complement: MKS1 is on the minus strand); the first of 3 consecutive A bases (chr17:58,213,035-58,213,037); duplicating any one gives the same sequence. VCF-style (leftmost placement, unchanged base first): chr17-58213034-G-GA. GRCh37 (hg19) VCF-style: chr17-56290395-G-GA.
Other names: c.805dupT (NM_017777.3); c.196dup, p.Ser66fs (NM_001321268.2); c.805dup, p.Ser269fs (NM_001321269.2, NM_001330397.2); short protein forms S269fs, S66fs.
Identifiers: ClinVar variation 1363964 (VCV001363964.7), dbSNP rs1320893771, ClinGen allele CA626730132.